The following is an entry in ClinVar:

NM_001080432.3(FTO):c.487G>A (p.Ala163Thr)

Gene: FTO (FTO alpha-ketoglutarate dependent dioxygenase; plus strand). Cytogenetic location: 16q12.2.
Variant type: single nucleotide variant.
Coding change: c.487G>A on transcript NM_001080432.3 (MANE Select); coding-DNA position 487, G replaced by A.
Protein change: p.Ala163Thr; replaces alanine 163 with threonine.
Molecular consequence: missense variant.
Genome position (GRCh38, 1-based): chr16:53,826,227, G>A. VCF-style: chr16-53826227-G-A. GRCh37 (hg19) VCF-style: chr16-53860139-G-A.
Other names: c.487G>A, p.Ala163Thr (NM_001363891.2, NM_001363894.2, NM_001363896.2 and 6 more transcripts); c.409G>A, p.Ala137Thr (NM_001363897.2); c.-27G>A (NM_001363905.2); short protein forms A163T, A137T.
Identifiers: ClinVar variation 319682 (VCV000319682.39), dbSNP rs145884431, ClinGen allele CA8058385.

ClinVar aggregate classification (germline): Conflicting classifications of pathogenicity. Review status: criteria provided, conflicting classifications (1 of 4 stars). 4 submissions from 4 submitters: Uncertain significance (1); Benign (1); Likely benign (2). Last evaluated 2026-01-19.

Conditions:
Lethal polymalformative syndrome, Boissel type. Also called: GROWTH RETARDATION, DEVELOPMENTAL DELAY, AND FACIAL DYSMORPHISM. Identifiers: Orphanet 210144, MedGen C2752001, MONDO:0013050, OMIM 612938.

Allele frequency attached by ClinVar (database versions not stated): 1000 Genomes Project 0.00020; 1000 Genomes Project 30x 0.00031; gnomAD 0.00158 and 0.00237; ESP Exome Variant Server 0.00185; gnomAD exomes 0.00206 and 0.00222; ExAC 0.00208; TOPMed 0.00287.
gnomAD v4.1: 3,396 of 1,614,198 alleles (0.21%); highest among the groups gnomAD compares: Middle Eastern, 0.91%; 14 homozygotes.

Submissions (4):

Labcorp Genetics (formerly Invitae), Labcorp
Classification: Benign. Last evaluated: 2026-01-19. Review status: criteria provided, single submitter. Criteria: Invitae Variant Classification Sherloc (09022015). Collection method: clinical testing. Allele origin: germline.

Blueprint Genetics
Classification: Likely benign. Last evaluated: 2024-11-12. Review status: criteria provided, single submitter. Criteria: ACMG Guidelines, 2015. Collection method: clinical testing. Allele origin: germline.

CeGaT Center for Human Genetics Tuebingen
Classification: Likely benign. Last evaluated: 2024-02-01. Review status: criteria provided, single submitter. Criteria: CeGaT Center For Human Genetics Tuebingen Variant Classification Criteria Version 2. Collection method: clinical testing. Allele origin: germline. Affected: yes. Observed: 5 variant alleles.
Comment: FTO: BP4, BS2

Illumina Laboratory Services, Illumina
Classification: Uncertain significance for Lethal polymalformative syndrome, Boissel type. Last evaluated: 2018-01-12. Review status: criteria provided, single submitter. Criteria: ICSL Variant Classification Criteria 13 December 2019. Collection method: clinical testing. Allele origin: germline.